The following is an entry in ClinVar:

ClinVar aggregate classification (germline): Likely pathogenic. Review status: criteria provided, multiple submitters, no conflicts (2 of 4 stars). 2 submissions from 2 submitters: Likely pathogenic (2). Last evaluated 2025-01-01.

Conditions:
Seizures, benign familial infantile, 5 (BFIS5). Also called: CONVULSIONS, BENIGN FAMILIAL INFANTILE, 5. Identifiers: Orphanet 306, MedGen C4310728, MONDO:0014903, OMIM 617080.
Early-infantile DEE. Also called: Early infantile epileptic encephalopathy; Ohtahara syndrome; Early infantile epileptic encephalopathy with suppression bursts. Identifiers: Orphanet 1934, MedGen C0393706, MONDO:0800491.

Submissions (2):

Center of Human Genetics, Hôpital Erasme
Classification: Likely pathogenic for Seizures, benign familial infantile, 5. Last evaluated: 2025-01-01. Review status: criteria provided, single submitter. Criteria: ACMG Guidelines, 2015. Collection method: clinical testing. Allele origin: de novo. Affected: yes.

Labcorp Genetics (formerly Invitae), Labcorp
Classification: Likely pathogenic for Early-infantile DEE. Last evaluated: 2021-07-15. Review status: criteria provided, single submitter. Criteria: Invitae Variant Classification Sherloc (09022015). Collection method: clinical testing. Allele origin: germline.
Comment: Algorithms developed to predict the effect of missense changes on protein structure and function are either unavailable or do not agree on the potential impact of this missense change (SIFT: "Deleterious"; PolyPhen-2: "Probably Damaging"; Align-GVGD: "Class C0"). Algorithms developed to predict the effect of sequence changes on RNA splicing suggest that this variant may create or strengthen a splice site. In summary, the currently available evidence indicates that the variant is pathogenic, but additional data are needed to prove that conclusively. Therefore, this variant has been classified as Likely Pathogenic. This variant has been observed in individual(s) with clinical features of SCN8A-related conditions (Invitae). In at least one individual the variant was observed to be de novo. This sequence change replaces methionine with valine at codon 1869 of the SCN8A protein (p.Met1869Val). The methionine residue is highly conserved and there is a small physicochemical difference between methionine and valine. This variant is not present in population databases (ExAC no frequency).

NM_001330260.2(SCN8A):c.5605A>G (p.Met1869Val)

Gene: SCN8A (sodium voltage-gated channel alpha subunit 8; plus strand). Cytogenetic location: 12q13.13.
Variant type: single nucleotide variant.
Coding change: c.5605A>G on transcript NM_001330260.2 (MANE Select); coding-DNA position 5605, A replaced by G.
Protein change: p.Met1869Val; replaces methionine 1869 with valine.
Molecular consequence: missense variant.
Genome position (GRCh38, 1-based): chr12:51,807,091, A>G. VCF-style: chr12-51807091-A-G. GRCh37 (hg19) VCF-style: chr12-52200875-A-G.
Other names: c.5482A>G, p.Met1828Val (NM_001177984.3, NM_001369788.1); c.5605A>G, p.Met1869Val (NM_014191.4); c.5605A>G (NM_014191.3); short protein forms M1869V, M1828V.
Identifiers: ClinVar variation 1505439 (VCV001505439.10), dbSNP rs2138944124, ClinGen allele CA384887974.
Genomic context (GRCh38, chr12:51,807,091, plus strand): 5'-TTTGCCTTCACCAAGCGGGTCCTGGGAGATAGCGGGGAGTTGGACATCCTGCGGCAGCAG[A>G]TGGAAGAGCGGTTCGTGGCATCCAATCCTTCCAAAGTGTCTTACGAGCCAATCACAACCA-3'
Protein context (NP_001317189.1, residues 1859-1879): SGELDILRQQ[Met1869Val]EERFVASNPS